The following is an entry in ClinVar:

ClinVar aggregate classification (germline): Likely benign. Review status: criteria provided, multiple submitters, no conflicts (2 of 4 stars). 3 submissions from 3 submitters: Likely benign (3). Last evaluated 2026-01-05.

Conditions:
UBA1-related disorder. Also called: UBA1-related condition.
Infantile-onset X-linked spinal muscular atrophy. Also called: Spinal Muscular Atrophy, X-Linked Infantile; SPINAL MUSCULAR ATROPHY, X-LINKED LETHAL INFANTILE; Spinal muscular atrophy, X-linked 2; ARTHROGRYPOSIS, X-LINKED, TYPE I; AMC, DISTAL, X-LINKED. Identifiers: Orphanet 1145, MedGen C1844934, MONDO:0010532, OMIM 301830.

Allele frequency attached by ClinVar (database versions not stated): ExAC 0.00001; gnomAD exomes 0.00004 and 0.00006; ESP Exome Variant Server 0.00009; gnomAD 0.00018 and 0.00019; TOPMed 0.00043.
gnomAD v4.1: 92 of 1,210,511 alleles (0.0076%); highest among the groups gnomAD compares: Admixed American, 0.046%; no homozygotes.

Submissions (3):

Labcorp Genetics (formerly Invitae), Labcorp
Classification: Likely benign for Infantile-onset X-linked spinal muscular atrophy. Last evaluated: 2026-01-05. Review status: criteria provided, single submitter. Criteria: Invitae Variant Classification Sherloc (09022015). Collection method: clinical testing. Allele origin: germline.

PreventionGenetics, part of Exact Sciences
Classification: Likely benign for UBA1-related condition. Last evaluated: 2024-10-09. Review status: criteria provided, single submitter. Criteria: ACMG Guidelines, 2015. Collection method: clinical testing. Allele origin: germline.
Comment: This variant is classified as likely benign based on ACMG/AMP sequence variant interpretation guidelines (Richards et al. 2015 PMID: 25741868, with internal and published modifications).

Blueprint Genetics
Classification: Likely benign. Last evaluated: 2024-01-09. Review status: criteria provided, single submitter. Criteria: ACMG Guidelines, 2015. Collection method: clinical testing. Allele origin: germline.

NM_003334.4(UBA1):c.2733G>A (p.Lys911=)

Gene: UBA1 (ubiquitin like modifier activating enzyme 1; plus strand). Cytogenetic location: Xp11.3.
Variant type: single nucleotide variant.
Coding change: c.2733G>A on transcript NM_003334.4 (MANE Select); coding-DNA position 2733, G replaced by A.
Protein change: p.Lys911=; no amino-acid change (lysine 911 retained).
Molecular consequence: synonymous variant.
Genome position (GRCh38, 1-based): chrX:47,213,076, G>A. VCF-style: chrX-47213076-G-A. GRCh37 (hg19) VCF-style: chrX-47072475-G-A.
Other names: c.2733G>A, p.Lys911= (NM_153280.3).
Identifiers: ClinVar variation 703645 (VCV000703645.14), dbSNP rs149284493, ClinGen allele CA10396188.